The following is an entry in ClinVar:

ClinVar aggregate classification (germline): Conflicting classifications of pathogenicity. Review status: criteria provided, conflicting classifications (1 of 4 stars). 2 submissions from 2 submitters: Uncertain significance (1); Likely benign (1). Last evaluated 2025-01-22.

Conditions:
Landau-Kleffner syndrome (FESD). Also called: EPILEPSY, FOCAL, WITH SPEECH DISORDER AND WITH OR WITHOUT MENTAL RETARDATION; APHASIA, ACQUIRED, WITH EPILEPSY. Identifiers: Orphanet 1945, Orphanet 725, Orphanet 98818, MedGen C0282512, MONDO:0009509, OMIM 245570.

Submissions (2):

Labcorp Genetics (formerly Invitae), Labcorp
Classification: Likely benign for Landau-Kleffner syndrome. Last evaluated: 2025-01-22. Review status: criteria provided, single submitter. Criteria: Invitae Variant Classification Sherloc (09022015). Collection method: clinical testing. Allele origin: germline.

GeneDx
Classification: Uncertain significance. Last evaluated: 2022-02-01. Review status: criteria provided, single submitter. Criteria: GeneDx Variant Classification Process June 2021. Collection method: clinical testing. Allele origin: germline. Affected: yes.
Comment: Not observed at significant frequency in large population cohorts (gnomAD); In silico analysis supports that this missense variant does not alter protein structure/function; Has not been previously published as pathogenic or benign to our knowledge

NM_001134407.3(GRIN2A):c.2611A>G (p.Ile871Val)

Gene: GRIN2A (glutamate ionotropic receptor NMDA type subunit 2A; minus strand). Cytogenetic location: 16p13.2.
Variant type: single nucleotide variant.
Coding change: c.2611A>G on transcript NM_001134407.3 (MANE Select); coding-DNA position 2611, A replaced by G.
Protein change: p.Ile871Val; replaces isoleucine 871 with valine.
Molecular consequence: missense variant.
Genome position (GRCh38, 1-based): chr16:9,764,933, T>C on the plus strand (A>G on the coding strand, the complement: GRIN2A is on the minus strand). VCF-style: chr16-9764933-T-C. GRCh37 (hg19) VCF-style: chr16-9858790-T-C.
Other names: c.2611A>G, p.Ile871Val (NM_000833.5, NM_001134408.2); short protein forms I871V.
Identifiers: ClinVar variation 1514914 (VCV001514914.9), dbSNP rs927932970, ClinGen allele CA394709745.